The following is an entry in ClinVar:

NC_000023.11:g.(?_22190444)_(22227611_?)del

Gene: PHEX (phosphate regulating endopeptidase X-linked; plus strand). Cytogenetic location: Xp22.11.
Variant type: Deletion.
Identifiers: ClinVar variation 831186 (VCV000831186.5).

ClinVar aggregate classification (germline): Pathogenic (1 of 4 stars; one submission).

Submission:

Labcorp Genetics (formerly Invitae), Labcorp
Classification: Pathogenic. Last evaluated: 2019-05-20. Review status: criteria provided, single submitter. Criteria: Invitae Variant Classification Sherloc (09022015). Collection method: clinical testing. Allele origin: germline.
Comment: For these reasons, this variant has been classified as Pathogenic. Loss-of-function variants in PHEX are known to be pathogenic (PMID: 9097956, 9106524, 19219621). This variant has not been reported in the literature in individuals with PHEX-related conditions. This variant is an out-of-frame deletion of the genomic region encompassing exons 15-20 of the PHEX gene. This is expected to create a premature translational stop signal and result in an absent or disrupted protein product.

Literature cited by the submitters: PubMed 9097956; PubMed 9106524; PubMed 19219621.